The following is an entry in ClinVar:

NM_000421.5(KRT10):c.789C>T (p.Thr263=)

Genes: KRT10 (keratin 10; minus strand), KRT10-AS1 (KRT10 antisense RNA 1; plus strand), LOC126862559 (BRD4-independent group 4 enhancer GRCh37_chr17:38975907-38977106; plus strand). Cytogenetic location: 17q21.2.
Variant type: single nucleotide variant.
Coding change: c.789C>T on transcript NM_000421.5 (MANE Select); coding-DNA position 789, C replaced by T.
Protein change: p.Thr263=; no amino-acid change (threonine 263 retained).
Molecular consequence: synonymous variant.
Genome position (GRCh38, 1-based): chr17:40,820,589, G>A on the plus strand (C>T on the coding strand, the complement: KRT10 is on the minus strand). VCF-style: chr17-40820589-G-A. GRCh37 (hg19) VCF-style: chr17-38976841-G-A.
Other names: c.789C>T, p.Thr263= (NM_001379366.1).
Identifiers: ClinVar variation 2084433 (VCV002084433.28), dbSNP rs140700628, ClinGen allele CA8548197.

ClinVar aggregate classification (germline): Benign/Likely benign. Review status: criteria provided, multiple submitters, no conflicts (2 of 4 stars). 2 submissions from 2 submitters: Benign (1); Likely benign (1). Last evaluated 2022-11-01.

Allele frequency attached by ClinVar (database versions not stated): gnomAD 0.00022; ESP Exome Variant Server 0.00023; gnomAD exomes 0.00030; ExAC 0.00021; TOPMed 0.00021.
gnomAD v4.1: 476 of 1,614,054 alleles (0.029%); highest among the groups gnomAD compares: Non-Finnish European, 0.031%; no homozygotes.

Submissions (2):

CeGaT Center for Human Genetics Tuebingen
Classification: Likely benign. Last evaluated: 2022-11-01. Review status: criteria provided, single submitter. Criteria: CeGaT Center For Human Genetics Tuebingen Variant Classification Criteria Version 2. Collection method: clinical testing. Allele origin: germline. Affected: yes. Observed: 1 variant allele.
Comment: KRT10: BP4, BP7

Labcorp Genetics (formerly Invitae), Labcorp
Classification: Benign. Last evaluated: 2022-07-02. Review status: criteria provided, single submitter. Criteria: Invitae Variant Classification Sherloc (09022015). Collection method: clinical testing. Allele origin: germline.